The following is an entry in ClinVar:

NM_006017.3(PROM1):c.1902C>G (p.Tyr634Ter)

Gene: PROM1 (prominin 1; minus strand). Cytogenetic location: 4p15.32.
Variant type: single nucleotide variant.
Coding change: c.1902C>G on transcript NM_006017.3 (MANE Select); coding-DNA position 1902, C replaced by G.
Protein change: p.Tyr634Ter; replaces tyrosine 634 with a stop codon.
Molecular consequence: nonsense.
Genome position (GRCh38, 1-based): chr4:15,992,257, G>C on the plus strand (C>G on the coding strand, the complement: PROM1 is on the minus strand). VCF-style: chr4-15992257-G-C. GRCh37 (hg19) VCF-style: chr4-15993880-G-C.
Other names: c.1875C>G, p.Tyr625Ter (NM_001145847.2, NM_001145848.2, NM_001145851.2 and 4 more transcripts); c.1902C>G, p.Tyr634Ter (NM_001145849.2, NM_001145850.2); short protein forms Y625*, Y634*.
Identifiers: ClinVar variation 1709261 (VCV001709261.2), dbSNP rs2475275702, ClinGen allele CA356430726.

ClinVar aggregate classification (germline): Pathogenic (1 of 4 stars; one submission).

Conditions:
Cone-rod dystrophy 12 (CORD12). Identifiers: Orphanet 1872, MedGen C2675210, MONDO:0012983, OMIM 612657.

Allele frequency attached by ClinVar (database versions not stated): gnomAD exomes 0.00001.
gnomAD v4.1: 7 of 1,613,866 alleles (0.00043%); highest among the groups gnomAD compares: Non-Finnish European, 0.00059%; no homozygotes.

Submission:

MGZ Medical Genetics Center
Classification: Pathogenic for Cone-rod dystrophy 12. Last evaluated: 2022-04-01. Review status: criteria provided, single submitter. Criteria: ACMG Guidelines, 2015. Collection method: clinical testing. Allele origin: germline. Affected: yes. Observed: 1 variant allele.
Comment: ACMG criteria applied: PVS1, PM2_SUP, PP1